The following is an entry in ClinVar:

ClinVar aggregate classification (germline): Uncertain significance. Review status: criteria provided, multiple submitters, no conflicts (2 of 4 stars). 2 submissions from 2 submitters: Uncertain significance (2). Last evaluated 2024-11-11.

Conditions:
Inborn genetic diseases. Identifiers: MedGen C0950123, MeSH D030342.

Allele frequency attached by ClinVar (database versions not stated): TOPMed below 0.00001; gnomAD 0.00001; gnomAD exomes 0.00006; ExAC 0.00007.
gnomAD v4.1: 60 of 1,613,524 alleles (0.0037%); highest among the groups gnomAD compares: South Asian, 0.055%; no homozygotes.

Submissions (2):

Ambry Genetics
Classification: Uncertain significance for Inborn genetic diseases. Last evaluated: 2024-11-11. Review status: criteria provided, single submitter. Criteria: Ambry Variant Classification Scheme 2023. Collection method: clinical testing. Allele origin: germline.

Labcorp Genetics (formerly Invitae), Labcorp
Classification: Uncertain significance. Last evaluated: 2022-01-26. Review status: criteria provided, single submitter. Criteria: Invitae Variant Classification Sherloc (09022015). Collection method: clinical testing. Allele origin: germline.
Comment: Algorithms developed to predict the effect of missense changes on protein structure and function (SIFT, PolyPhen-2, Align-GVGD) all suggest that this variant is likely to be tolerated. In summary, the available evidence is currently insufficient to determine the role of this variant in disease. Therefore, it has been classified as a Variant of Uncertain Significance. This variant has not been reported in the literature in individuals affected with IMPG2-related conditions. This variant is present in population databases (rs751226839, gnomAD 0.04%). This sequence change replaces arginine, which is basic and polar, with glutamine, which is neutral and polar, at codon 80 of the IMPG2 protein (p.Arg80Gln).

NM_016247.4(IMPG2):c.239G>A (p.Arg80Gln)

Gene: IMPG2 (interphotoreceptor matrix proteoglycan 2; minus strand). Cytogenetic location: 3q12.3.
Variant type: single nucleotide variant.
Coding change: c.239G>A on transcript NM_016247.4 (MANE Select); coding-DNA position 239, G replaced by A.
Protein change: p.Arg80Gln; replaces arginine 80 with glutamine.
Molecular consequence: missense variant.
Genome position (GRCh38, 1-based): chr3:101,319,679, C>T on the plus strand (G>A on the coding strand, the complement: IMPG2 is on the minus strand). VCF-style: chr3-101319679-C-T. GRCh37 (hg19) VCF-style: chr3-101038523-C-T.
Other names: c.239G>A (NM_016247.3); short protein forms R80Q.
Identifiers: ClinVar variation 1362768 (VCV001362768.9), dbSNP rs751226839, ClinGen allele CA2519531.